The following is an entry in ClinVar:

ClinVar aggregate classification (germline): Benign/Likely benign. Review status: criteria provided, multiple submitters, no conflicts (2 of 4 stars). 3 submissions from 3 submitters: Benign (1); Likely benign (2). Last evaluated 2026-07-15.

Conditions:
Hereditary cancer-predisposing syndrome. Also called: Hereditary neoplastic syndrome; Neoplastic Syndromes, Hereditary; Tumor predisposition; Hereditary Cancer Syndrome. Identifiers: Orphanet 140162, MedGen C0027672, MeSH D009386, MONDO:0015356.
Rhabdoid tumor predisposition syndrome 2 (RTPS2). Identifiers: Orphanet 231108, Orphanet 69077, MedGen C2750074, MONDO:0013224, OMIM 613325.

Allele frequency attached by ClinVar (database versions not stated): TOPMed below 0.00001.

Submissions (3):

Myriad Genetics, Inc.
Classification: Benign for Rhabdoid tumor predisposition syndrome 2. Last evaluated: 2026-07-15. Review status: criteria provided, single submitter. Criteria: Myriad Autosomal Dominant, Autosomal Recessive and X-Linked Classification Criteria (2023). Collection method: clinical testing. Allele origin: unknown.
Comment: This variant is considered benign. This variant is a silent/synonymous amino acid change and it is not expected to impact splicing.

Labcorp Genetics (formerly Invitae), Labcorp
Classification: Likely benign for Rhabdoid tumor predisposition syndrome 2. Last evaluated: 2023-04-09. Review status: criteria provided, single submitter. Criteria: Invitae Variant Classification Sherloc (09022015). Collection method: clinical testing. Allele origin: germline.

Ambry Genetics
Classification: Likely benign for Hereditary cancer-predisposing syndrome. Last evaluated: 2021-01-13. Review status: criteria provided, single submitter. Criteria: Ambry Variant Classification Scheme 2023. Collection method: clinical testing. Allele origin: germline.

NM_003072.5(SMARCA4):c.3840C>A (p.Gly1280=)

Gene: SMARCA4 (SWI/SNF related BAF chromatin remodeling complex subunit ATPase 4; plus strand). Cytogenetic location: 19p13.2.
Variant type: single nucleotide variant.
Coding change: c.3840C>A on transcript NM_003072.5 (MANE Select); coding-DNA position 3840, C replaced by A.
Protein change: p.Gly1280=; no amino-acid change (glycine 1280 retained).
Molecular consequence: synonymous variant. On other transcripts: intron variant (6).
Genome position (GRCh38, 1-based): chr19:11,033,832, C>A. VCF-style: chr19-11033832-C-A. GRCh37 (hg19) VCF-style: chr19-11144508-C-A.
Other names: c.3840C>A, p.Gly1280= (NM_001128844.3, NM_001128849.3, NM_001387283.1); c.3775-291C>A (NM_001128847.4, NM_001411150.1, NM_001374457.1 and 3 more transcripts).
Identifiers: ClinVar variation 1735434 (VCV001735434.6), dbSNP rs1260250073, ClinGen allele CA505743760.